The following is an entry in ClinVar:

ClinVar aggregate classification (germline): Uncertain significance (1 of 4 stars; one submission).

Conditions:
SEMA3G-related disorder. Also called: SEMA3G-related condition.

gnomAD v4.1: 3 of 1,610,532 alleles (0.00019%); highest among the groups gnomAD compares: African/African-American, 0.0027%; no homozygotes.

Submission:

PreventionGenetics, part of Exact Sciences
Classification: Uncertain significance for SEMA3G-related condition. Last evaluated: 2026-04-29. Review status: criteria provided, single submitter. Criteria: ACMG Guidelines, 2015. Collection method: clinical testing. Allele origin: germline.
Comment: The SEMA3G c.2342C>T variant is predicted to result in the amino acid substitution p.Ala781Val. To our knowledge, this variant has not been reported in the literature or in a large population database, indicating this variant is rare. At this time, the clinical significance of this variant is uncertain due to the absence of conclusive functional and genetic evidence.

NM_020163.3(SEMA3G):c.2342C>T (p.Ala781Val)

Gene: SEMA3G (semaphorin 3G; minus strand). Cytogenetic location: 3p21.1.
Variant type: single nucleotide variant.
Coding change: c.2342C>T on transcript NM_020163.3 (MANE Select); coding-DNA position 2342, C replaced by T.
Protein change: p.Ala781Val; replaces alanine 781 with valine.
Molecular consequence: missense variant.
Genome position (GRCh38, 1-based): chr3:52,435,610, G>A on the plus strand (C>T on the coding strand, the complement: SEMA3G is on the minus strand). VCF-style: chr3-52435610-G-A. GRCh37 (hg19) VCF-style: chr3-52469626-G-A.
Other names: short protein forms A781V.
Identifiers: ClinVar variation 4994703 (VCV004994703.1).